The following is an entry in ClinVar:

ClinVar aggregate classification (germline): Benign/Likely benign. Review status: criteria provided, multiple submitters, no conflicts (2 of 4 stars). 4 submissions from 4 submitters: Benign (1); Likely benign (3). Last evaluated 2025-11-01.

Allele frequency attached by ClinVar (database versions not stated): ExAC 0.00010; gnomAD exomes 0.00012 and 0.00018; TOPMed 0.00012; gnomAD 0.00014 and 0.00015; ESP Exome Variant Server 0.00015; 1000 Genomes Project 30x 0.00016; 1000 Genomes Project 0.00020.
gnomAD v4.1: 288 of 1,608,802 alleles (0.018%); highest among the groups gnomAD compares: Non-Finnish European, 0.021%; no homozygotes.

Submissions (4):

CeGaT Center for Human Genetics Tuebingen
Classification: Likely benign. Last evaluated: 2025-11-01. Review status: criteria provided, single submitter. Criteria: CeGaT Center For Human Genetics Tuebingen Variant Classification Criteria Version 2. Collection method: clinical testing. Allele origin: germline. Affected: yes. Observed: 3 variant alleles.
Comment: SPTBN2: BP4, BP7

Labcorp Genetics (formerly Invitae), Labcorp
Classification: Likely benign. Last evaluated: 2024-11-15. Review status: criteria provided, single submitter. Criteria: Invitae Variant Classification Sherloc (09022015). Collection method: clinical testing. Allele origin: germline.

Blueprint Genetics
Classification: Likely benign. Last evaluated: 2024-09-17. Review status: criteria provided, single submitter. Criteria: ACMG Guidelines, 2015. Collection method: clinical testing. Allele origin: germline.

Athena Diagnostics
Classification: Benign. Last evaluated: 2018-08-27. Review status: criteria provided, single submitter. Criteria: Athena Diagnostics Criteria. Collection method: clinical testing. Allele origin: germline.

NM_006946.4(SPTBN2):c.4485C>T (p.Arg1495=)

Gene: SPTBN2 (spectrin beta, non-erythrocytic 2; minus strand). Cytogenetic location: 11q13.2.
Variant type: single nucleotide variant.
Coding change: c.4485C>T on transcript NM_006946.4 (MANE Select); coding-DNA position 4485, C replaced by T.
Protein change: p.Arg1495=; no amino-acid change (arginine 1495 retained).
Molecular consequence: synonymous variant.
Genome position (GRCh38, 1-based): chr11:66,694,157, G>A on the plus strand (C>T on the coding strand, the complement: SPTBN2 is on the minus strand). VCF-style: chr11-66694157-G-A. GRCh37 (hg19) VCF-style: chr11-66461628-G-A.
Identifiers: ClinVar variation 787595 (VCV000787595.25), dbSNP rs145930414, ClinGen allele CA6128569.